The following is an entry in ClinVar:

ClinVar aggregate classification (germline): Uncertain significance (1 of 4 stars; one submission).

Conditions:
Charcot-Marie-Tooth disease dominant intermediate B (CMTDIB). Also called: CHARCOT-MARIE-TOOTH NEUROPATHY, DOMINANT INTERMEDIATE B; Charcot-Marie-Tooth disease dominant intermediate 1; CMT DI1; Charcot-Marie-Tooth disease dominant intermediate I. Identifiers: Orphanet 100044, Orphanet 228179, MedGen C1847902, MONDO:0011674, OMIM 606482.

Submission:

Labcorp Genetics (formerly Invitae), Labcorp
Classification: Uncertain significance for Charcot-Marie-Tooth disease dominant intermediate B. Last evaluated: 2022-07-20. Review status: criteria provided, single submitter. Criteria: Invitae Variant Classification Sherloc (09022015). Collection method: clinical testing. Allele origin: germline.
Comment: This sequence change falls in intron 9 of the DNM2 gene. It does not directly change the encoded amino acid sequence of the DNM2 protein. It affects a nucleotide within the consensus splice site. This variant is not present in population databases (gnomAD no frequency). This variant has not been reported in the literature in individuals affected with DNM2-related conditions. In summary, the available evidence is currently insufficient to determine the role of this variant in disease. Therefore, it has been classified as a Variant of Uncertain Significance. Variants that disrupt the consensus splice site are a relatively common cause of aberrant splicing (PMID: 17576681, 9536098). Algorithms developed to predict the effect of sequence changes on RNA splicing suggest that this variant may create or strengthen a splice site.

Literature cited by the submitters: PubMed 17576681; PubMed 9536098.

NM_001005361.3(DNM2):c.1196+4A>G

Gene: DNM2 (dynamin 2; plus strand). Cytogenetic location: 19p13.2.
Variant type: single nucleotide variant.
Coding change: c.1196+4A>G on transcript NM_001005361.3 (MANE Select); 4 bases into the intron after coding-DNA position 1196, A replaced by G.
Molecular consequence: intron variant.
Genome position (GRCh38, 1-based): chr19:10,795,443, A>G. VCF-style: chr19-10795443-A-G. GRCh37 (hg19) VCF-style: chr19-10906119-A-G.
Other names: c.1196+4A>G (NM_001005360.3, NM_001190716.2, NM_004945.4 and 1 more transcripts).
Identifiers: ClinVar variation 2018385 (VCV002018385.4), dbSNP rs2513232068, ClinGen allele CA2580096218.
Genomic context (GRCh38, chr19:10,795,443, plus strand): 5'-CGAGAAGGACTTACGACGGGAGATCAGCTATGCCATTAAGAACATCCATGGAGTCAGGCA[A>G]GTTCCACGAGGAGAGTCACCACTGTTCCTTCCTCTCCGTGGTGCGACCCCCCAGCTAATT-3'